The following is an entry in ClinVar:

ClinVar aggregate classification (germline): Likely benign (1 of 4 stars; one submission).

Allele frequency attached by ClinVar (database versions not stated): 1000 Genomes Project 30x 0.01311; 1000 Genomes Project 0.01404; TOPMed 0.02792; gnomAD 0.03025 and 0.03051.
gnomAD v4.1: 3,334 of 110,818 alleles (3%); highest among the groups gnomAD compares: Middle Eastern, 5.2%; 57 homozygotes.

Submission:

GeneDx
Classification: Likely benign. Last evaluated: 2018-06-19. Review status: criteria provided, single submitter. Criteria: GeneDx Variant Classification (06012015). Collection method: clinical testing. Allele origin: germline. Affected: yes.
Comment: This variant is considered likely benign or benign based on one or more of the following criteria: it is a conservative change, it occurs at a poorly conserved position in the protein, it is predicted to be benign by multiple in silico algorithms, and/or has population frequency not consistent with disease.

NM_001079872.2(CUL4B):c.1325-292A>G

Gene: CUL4B (cullin 4B; minus strand). Cytogenetic location: Xq24.
Variant type: single nucleotide variant.
Coding change: c.1325-292A>G on transcript NM_001079872.2 (MANE Select); 292 bases into the intron before coding-DNA position 1325, A replaced by G.
Molecular consequence: intron variant.
Genome position (GRCh38, 1-based): chrX:120,542,012, T>C on the plus strand (A>G on the coding strand, the complement: CUL4B is on the minus strand). VCF-style: chrX-120542012-T-C. GRCh37 (hg19) VCF-style: chrX-119675867-T-C.
Other names: c.1379-292A>G (NM_003588.4); c.1340-292A>G (NM_001330624.2); c.791-292A>G (NM_001369145.1).
Identifiers: ClinVar variation 668891 (VCV000668891.1), dbSNP rs147036781, ClinGen allele CA334124320.